The following is an entry in ClinVar:

NM_020822.3(KCNT1):c.1225C>T (p.Pro409Ser)

Gene: KCNT1 (potassium sodium-activated channel subfamily T member 1; plus strand). Cytogenetic location: 9q34.3.
Variant type: single nucleotide variant.
Coding change: c.1225C>T on transcript NM_020822.3 (MANE Select); coding-DNA position 1225, C replaced by T.
Protein change: p.Pro409Ser; replaces proline 409 with serine.
Molecular consequence: missense variant.
Genome position (GRCh38, 1-based): chr9:135,765,648, C>T. VCF-style: chr9-135765648-C-T. GRCh37 (hg19) VCF-style: chr9-138657494-C-T.
Other names: c.1090C>T, p.Pro364Ser (NM_001272003.2); short protein forms P364S, P409S.
Identifiers: ClinVar variation 662662 (VCV000662662.10), dbSNP rs1588344733, ClinGen allele CA375501173.
Genomic context (GRCh38, chr9:135,765,648, plus strand): 5'-TGGCTCAGAGGGTCTGACCCTCCGCCTGGCCGGCAGGACTATTACGTGGTCATCCTGTGC[C>T]CCACGGAGATGGATGTCCAGGTGCGCAGAGTCCTGCAGATCCCTCTGTGGTCCCAGCGGG-3'
Protein context (NP_065873.2, residues 399-419): LQDYYVVILC[Pro409Ser]TEMDVQVRRV

ClinVar aggregate classification (germline): Pathogenic/Likely pathogenic. Review status: criteria provided, multiple submitters, no conflicts (2 of 4 stars). 2 submissions from 2 submitters: Pathogenic (1); Likely pathogenic (1). Last evaluated 2023-08-04.

Conditions:
Autosomal dominant nocturnal frontal lobe epilepsy 5. Also called: Epilepsy, nocturnal frontal lobe, 5; KCNT1-Related Epilepsy; CILIARY DYSKINESIA, PRIMARY, 28, WITHOUT SITUS INVERSUS; CILIARY DYSKINESIA, PRIMARY, 28, WITH SITUS INVERSUS. Identifiers: Orphanet 98784, MedGen C3554306, MONDO:0014002, OMIM 615005.
Developmental and epileptic encephalopathy, 14 (DEE14). Also called: Early infantile epileptic encephalopathy 14. Identifiers: Orphanet 293181, MedGen C3554195, MONDO:0013989, OMIM 614959.

Submissions (2):

Labcorp Genetics (formerly Invitae), Labcorp
Classification: Pathogenic for Autosomal dominant nocturnal frontal lobe epilepsy 5; Developmental and epileptic encephalopathy, 14. Last evaluated: 2023-08-04. Review status: criteria provided, single submitter. Criteria: Invitae Variant Classification Sherloc (09022015). Collection method: clinical testing. Allele origin: germline.
Comment: For these reasons, this variant has been classified as Pathogenic. Advanced modeling of protein sequence and biophysical properties (such as structural, functional, and spatial information, amino acid conservation, physicochemical variation, residue mobility, and thermodynamic stability) performed at Invitae indicates that this missense variant is not expected to disrupt KCNT1 protein function. ClinVar contains an entry for this variant (Variation ID: 662662). This missense change has been observed in individual(s) with clinical features of developmental and epileptic encephalopathy (PMID: 26140313; Invitae). In at least one individual the variant was observed to be de novo. This variant is not present in population databases (gnomAD no frequency). This sequence change replaces proline, which is neutral and non-polar, with serine, which is neutral and polar, at codon 409 of the KCNT1 protein (p.Pro409Ser).

Mendelics
Classification: Likely pathogenic for Developmental and epileptic encephalopathy, 14. Last evaluated: 2019-05-28. Review status: criteria provided, single submitter. Criteria: Mendelics Assertion Criteria 2017. Collection method: clinical testing. Allele origin: unknown.

Literature cited by the submitters: PubMed 26140313 (cited by Labcorp Genetics (formerly Invitae), Labcorp).